The following is an entry in ClinVar:

NM_020800.3(IFT80):c.1349C>T (p.Pro450Leu)

Genes: IFT80 (intraflagellar transport 80; minus strand), TRIM59-IFT80 (TRIM59-IFT80 readthrough (NMD candidate); minus strand). Cytogenetic location: 3q25.33.
Variant type: single nucleotide variant.
Coding change: c.1349C>T on transcript NM_020800.3 (MANE Select); coding-DNA position 1349, C replaced by T.
Protein change: p.Pro450Leu; replaces proline 450 with leucine.
Molecular consequence: missense variant. On other transcripts: non-coding transcript variant (3).
Genome position (GRCh38, 1-based): chr3:160,285,835, G>A on the plus strand (C>T on the coding strand, the complement: IFT80 is on the minus strand). VCF-style: chr3-160285835-G-A. GRCh37 (hg19) VCF-style: chr3-160003623-G-A.
Other names: c.938C>T, p.Pro313Leu (NM_001190241.2, NM_001190242.2); short protein forms P450L, P313L.
Identifiers: ClinVar variation 3527962 (VCV003527962.2).

ClinVar aggregate classification (germline): Uncertain significance. Review status: criteria provided, multiple submitters, no conflicts (2 of 4 stars). 2 submissions from 2 submitters: Uncertain significance (2). Last evaluated 2025-07-02.

Conditions:
Inborn genetic diseases. Identifiers: MedGen C0950123, MeSH D030342.
Jeune thoracic dystrophy. Also called: Jeune syndrome; Infantile thoracic dystrophy; Thoracic pelvic phalangeal dystrophy; Jeune's syndrome; Chondroectodermal dysplasia-like syndrome; Short-rib thoracic dysplasia. Identifiers: Orphanet 474, MedGen C0265275, MONDO:0018770.

gnomAD v4.1: 19 of 1,605,814 alleles (0.0012%); highest among the groups gnomAD compares: South Asian, 0.0033%; no homozygotes.

Submissions (2):

Labcorp Genetics (formerly Invitae), Labcorp
Classification: Uncertain significance for Jeune thoracic dystrophy. Last evaluated: 2025-07-02. Review status: criteria provided, single submitter. Criteria: Invitae Variant Classification Sherloc (09022015). Collection method: clinical testing. Allele origin: germline.
Comment: This sequence change replaces proline, which is neutral and non-polar, with leucine, which is neutral and non-polar, at codon 450 of the IFT80 protein (p.Pro450Leu). The frequency data for this variant in the population databases is considered unreliable, as metrics indicate poor data quality at this position in the gnomAD database. This variant has not been reported in the literature in individuals affected with IFT80-related conditions. ClinVar contains an entry for this variant (Variation ID: 3527962). Invitae Evidence Modeling of protein sequence and biophysical properties (such as structural, functional, and spatial information, amino acid conservation, physicochemical variation, residue mobility, and thermodynamic stability) indicates that this missense variant is not expected to disrupt IFT80 protein function with a negative predictive value of 80%. In summary, the available evidence is currently insufficient to determine the role of this variant in disease. Therefore, it has been classified as a Variant of Uncertain Significance.

Ambry Genetics
Classification: Uncertain significance for Inborn genetic diseases. Last evaluated: 2024-10-20. Review status: criteria provided, single submitter. Criteria: Ambry Variant Classification Scheme 2023. Collection method: clinical testing. Allele origin: germline.